The following is an entry in ClinVar:

NM_001182.5(ALDH7A1):c.120G>A (p.Ala40=)

Gene: ALDH7A1 (aldehyde dehydrogenase 7 family member A1; minus strand). Cytogenetic location: 5q23.2.
Variant type: single nucleotide variant.
Coding change: c.120G>A on transcript NM_001182.5 (MANE Select); coding-DNA position 120, G replaced by A.
Protein change: p.Ala40=; no amino-acid change (alanine 40 retained).
Molecular consequence: synonymous variant.
Genome position (GRCh38, 1-based): chr5:126,595,079, C>T on the plus strand (G>A on the coding strand, the complement: ALDH7A1 is on the minus strand). VCF-style: chr5-126595079-C-T. GRCh37 (hg19) VCF-style: chr5-125930771-C-T.
Other names: c.36G>A, p.Ala12= (NM_001201377.2); c.120G>A, p.Ala40= (NM_001202404.2).
Identifiers: ClinVar variation 516932 (VCV000516932.1), dbSNP rs1554101953, ClinGen allele CA446487967.

ClinVar aggregate classification (germline): Likely benign (1 of 4 stars; one submission).

Submission:

GeneDx
Classification: Likely benign. Last evaluated: 2018-02-02. Review status: criteria provided, single submitter. Criteria: GeneDx Variant Classification (06012015). Collection method: clinical testing. Allele origin: germline. Affected: yes.
Comment: This variant is considered likely benign or benign based on one or more of the following criteria: it is a conservative change, it occurs at a poorly conserved position in the protein, it is predicted to be benign by multiple in silico algorithms, and/or has population frequency not consistent with disease.